The following is an entry in ClinVar:

NM_001287.6(CLCN7):c.828C>G (p.Phe276Leu)

Gene: CLCN7 (chloride voltage-gated channel 7; minus strand). Cytogenetic location: 16p13.3.
Variant type: single nucleotide variant.
Coding change: c.828C>G on transcript NM_001287.6 (MANE Select); coding-DNA position 828, C replaced by G.
Protein change: p.Phe276Leu; replaces phenylalanine 276 with leucine.
Molecular consequence: missense variant.
Genome position (GRCh38, 1-based): chr16:1,456,201, G>C on the plus strand (C>G on the coding strand, the complement: CLCN7 is on the minus strand). VCF-style: chr16-1456201-G-C. GRCh37 (hg19) VCF-style: chr16-1506202-G-C.
Other names: c.756C>G, p.Phe252Leu (NM_001114331.3); short protein forms F252L, F276L.
Identifiers: ClinVar variation 2128208 (VCV002128208.4), dbSNP rs776459030, ClinGen allele CA394190500.

ClinVar aggregate classification (germline): Uncertain significance (1 of 4 stars; one submission).

gnomAD v4.1: 5 of 1,564,044 alleles (0.00032%); highest among the groups gnomAD compares: South Asian, 0.0058%; no homozygotes.

Submission:

Labcorp Genetics (formerly Invitae), Labcorp
Classification: Uncertain significance. Last evaluated: 2022-04-20. Review status: criteria provided, single submitter. Criteria: Invitae Variant Classification Sherloc (09022015). Collection method: clinical testing. Allele origin: germline.
Comment: In summary, the available evidence is currently insufficient to determine the role of this variant in disease. Therefore, it has been classified as a Variant of Uncertain Significance. Algorithms developed to predict the effect of missense changes on protein structure and function (SIFT, PolyPhen-2, Align-GVGD) all suggest that this variant is likely to be tolerated. This variant has not been reported in the literature in individuals affected with CLCN7-related conditions. This variant is present in population databases (no rsID available, gnomAD 0.01%). This sequence change replaces phenylalanine, which is neutral and non-polar, with leucine, which is neutral and non-polar, at codon 276 of the CLCN7 protein (p.Phe276Leu).